The following is an entry in ClinVar:

ClinVar aggregate classification (germline): Uncertain significance (1 of 4 stars; one submission).

gnomAD v4.1: 6 of 1,614,246 alleles (0.00037%); highest among the groups gnomAD compares: Non-Finnish European, 0.00051%; no homozygotes.

Submission:

Labcorp Genetics (formerly Invitae), Labcorp
Classification: Uncertain significance. Last evaluated: 2024-08-28. Review status: criteria provided, single submitter. Criteria: Invitae Variant Classification Sherloc (09022015). Collection method: clinical testing. Allele origin: germline.
Comment: This sequence change replaces histidine, which is basic and polar, with glutamine, which is neutral and polar, at codon 339 of the APOA4 protein (p.His339Gln). This variant is not present in population databases (gnomAD no frequency). This variant has not been reported in the literature in individuals affected with APOA4-related conditions. Invitae Evidence Modeling of protein sequence and biophysical properties (such as structural, functional, and spatial information, amino acid conservation, physicochemical variation, residue mobility, and thermodynamic stability) has been performed for this missense variant. However, the output from this modeling did not meet the statistical confidence thresholds required to predict the impact of this variant on APOA4 protein function. In summary, the available evidence is currently insufficient to determine the role of this variant in disease. Therefore, it has been classified as a Variant of Uncertain Significance.

NM_000482.4(APOA4):c.1017C>G (p.His339Gln)

Gene: APOA4 (apolipoprotein A4; minus strand). Cytogenetic location: 11q23.3.
Variant type: single nucleotide variant.
Coding change: c.1017C>G on transcript NM_000482.4 (MANE Select); coding-DNA position 1017, C replaced by G.
Protein change: p.His339Gln; replaces histidine 339 with glutamine.
Molecular consequence: missense variant.
Genome position (GRCh38, 1-based): chr11:116,821,041, G>C on the plus strand (C>G on the coding strand, the complement: APOA4 is on the minus strand). VCF-style: chr11-116821041-G-C. GRCh37 (hg19) VCF-style: chr11-116691757-G-C.
Other names: short protein forms H339Q.
Identifiers: ClinVar variation 3706541 (VCV003706541.2).
Genomic context (GRCh38, chr11:116,821,041, plus strand): 5'-CTTGAAGGTGCTGAAGAAGGAGTTGACCTTGTCCCTCAGGTCCTTCTCCAGGAAGCTCAA[G>C]TGGCCTTCCACGTCCCCCGCATGGGGGCCCAGTTTCTGCCTGAGCTGTTCCATCTGCTGC-3'
Protein context (NP_000473.2, residues 329-349): LGPHAGDVEG[His339Gln]LSFLEKDLRD